The following is an entry in ClinVar:

NM_007294.4(BRCA1):c.1142_1143del (p.Lys381fs)

Gene: BRCA1 (BRCA1 DNA repair associated; minus strand). Cytogenetic location: 17q21.31.
Variant type: Deletion.
Coding change: c.1142_1143del on transcript NM_007294.4 (MANE Select); coding-DNA positions 1142 to 1143, 2 bases deleted (AA; older notation c.1142_1143delAA).
Protein change: p.Lys381fs; shifts the reading frame from lysine 381.
Molecular consequence: frameshift variant. On other transcripts: intron variant (137).
Genome position (GRCh38, 1-based): chr17:43,094,388-43,094,389, TT deleted on the plus strand (AA on the coding strand, the reverse complement: BRCA1 is on the minus strand); deleting any 2 consecutive bases within chr17:43,094,388-43,094,390 gives the same sequence; the c. name uses the placement nearest the transcript's 3' end. VCF-style (leftmost placement, unchanged base first): chr17-43094387-CTT-C. GRCh37 (hg19) VCF-style: chr17-41246404-CTT-C.
Other names: c.1142_1143delAA (NM_007294.3); c.929_930del, p.Lys310fs (NM_001407571.1, NM_001407853.1, NM_001407894.1 and 9 more transcripts); c.1142_1143del, p.Lys381fs (NM_001407581.1, NM_001407582.1, NM_001407583.1 and 30 more transcripts); c.1139_1140del, p.Lys380fs (NM_001407587.1, NM_001407590.1, NM_001407591.1 and 22 more transcripts); c.1064_1065del, p.Lys355fs (NM_001407653.1, NM_001407654.1, NM_001407655.1 and 4 more transcripts); c.1061_1062del, p.Lys354fs (NM_001407659.1, NM_001407660.1, NM_001407661.1 and 1 more transcripts); c.1016_1017del, p.Lys339fs (NM_001407671.1, NM_001407672.1, NM_001407673.1 and 11 more transcripts); c.1019_1020del, p.Lys340fs (NM_001407674.1, NM_001407675.1, NM_001407676.1 and 19 more transcripts); and 41 more; short protein forms K334fs, K381fs, K270fs, K314fs, K85fs, K213fs, K253fs, K269fs.
Identifiers: ClinVar variation 252429 (VCV000252429.3), dbSNP rs879255313, ClinGen allele CA10585943.

ClinVar aggregate classification (germline): Pathogenic. Review status: reviewed by expert panel (3 of 4 stars). 2 submissions from 2 submitters: Pathogenic (1). 1 of the submissions does not count toward it. Last evaluated 2017-12-15.

Conditions:
Breast-ovarian cancer, familial, susceptibility to, 1 (BROVCA1). Also called: BRCA1 Hereditary Breast and Ovarian Cancer; OVARIAN CANCER, SUSCEPTIBILITY TO. Identifiers: Orphanet 145, MedGen C2676676, MONDO:0011450, OMIM 604370. Disease mechanism: loss of function.

Submissions (2):

Evidence-based Network for the Interpretation of Germline Mutant Alleles (ENIGMA)
Classification: Pathogenic for Breast-ovarian cancer, familial, susceptibility to, 1. Last evaluated: 2017-12-15. Review status: reviewed by expert panel. Criteria: ENIGMA BRCA1/2 Classification Criteria (2017-06-29). Collection method: curation. Allele origin: germline. Study: ENIGMA.
Comment: Variant allele predicted to encode a truncated non-functional protein.

GeneKor MSA
Classification: Pathogenic. Last evaluated: 2020-01-01. Review status: criteria provided, single submitter. Criteria: ACMG Guidelines, 2015. Collection method: clinical testing. Allele origin: germline. Not counted in ClinVar's aggregate classification.
Comment: This sequence change deletes two bases from exon 11 of the BRCA1 mRNA (c.1142_1143delAA), causing a frameshift after codon 381 and the creation of a premature translation stop signal 2 amino acid residues later, [p.(Lys381Serfs)]. This is expected to result in an absent or disrupted protein product. Truncating variants in the BRCA1 gene are known to be pathogenic. The mutation database Clinvar contains entries for this variant (Variation ID: 252429).